The following is an entry in ClinVar:

ClinVar aggregate classification (germline): Uncertain significance (1 of 4 stars; one submission).

Conditions:
Progressive familial intrahepatic cholestasis type 2. Identifiers: Orphanet 79304, MedGen C3489789, MONDO:0011156, OMIM 601847.

Submission:

3billion
Classification: Uncertain significance for Progressive familial intrahepatic cholestasis type 2. Last evaluated: 2024-06-19. Review status: criteria provided, single submitter. Criteria: ACMG Guidelines, 2015. Collection method: clinical testing. Allele origin: germline. Affected: yes.
Comment: The variant is not observed in the gnomAD v4.0.0 dataset. Predicted Consequence/Location: Synonymous variant In silico tools predict the variant to alter splicing and produce an abnormal transcript [SpliceAI: 0.41 (>=0.2, moderate evidence for spliceogenicity)]. Therefore, this variant is classified as VUS according to the recommendation of ACMG/AMP guideline.

NM_003742.4(ABCB11):c.2679C>T (p.Ala893=)

Genes: ABCB11 (ATP binding cassette subfamily B member 11; minus strand), LOC126806400 (CDK7 strongly-dependent group 2 enhancer GRCh37_chr2:169791870-169793069; plus strand). Cytogenetic location: 2q31.1.
Variant type: single nucleotide variant.
Coding change: c.2679C>T on transcript NM_003742.4 (MANE Select); coding-DNA position 2679, C replaced by T.
Protein change: p.Ala893=; no amino-acid change (alanine 893 retained).
Molecular consequence: synonymous variant.
Genome position (GRCh38, 1-based): chr2:168,936,365, G>A on the plus strand (C>T on the coding strand, the complement: ABCB11 is on the minus strand). VCF-style: chr2-168936365-G-A. GRCh37 (hg19) VCF-style: chr2-169792875-G-A.
Identifiers: ClinVar variation 4291976 (VCV004291976.1).